The following is an entry in ClinVar:

NM_014516.4(CNOT3):c.939C>T (p.His313=)

Gene: CNOT3 (CCR4-NOT transcription complex subunit 3; plus strand). Cytogenetic location: 19q13.42.
Variant type: single nucleotide variant.
Coding change: c.939C>T on transcript NM_014516.4 (MANE Select); coding-DNA position 939, C replaced by T.
Protein change: p.His313=; no amino-acid change (histidine 313 retained).
Molecular consequence: synonymous variant.
Genome position (GRCh38, 1-based): chr19:54,148,192, C>T. VCF-style: chr19-54148192-C-T. GRCh37 (hg19) VCF-style: chr19-54651927-C-T.
Other names: c.939C>T (NM_014516.3).
Identifiers: ClinVar variation 1972842 (VCV001972842.7), dbSNP rs146219248, ClinGen allele CA309339547.

ClinVar aggregate classification (germline): Likely benign. Review status: criteria provided, single submitter (1 of 4 stars). 2 submissions from 2 submitters: Likely benign (1). 1 of the submissions does not count toward it. Last evaluated 2025-09-10.

Conditions:
CNOT3-related disorder. Also called: CNOT3-related condition.

Allele frequency attached by ClinVar (database versions not stated): gnomAD 0.00010; ExAC 0.00026; TOPMed 0.00018; ESP Exome Variant Server 0.00015; 1000 Genomes Project 30x 0.00016; gnomAD exomes 0.00019.
gnomAD v4.1: 282 of 1,571,004 alleles (0.018%); highest among the groups gnomAD compares: Non-Finnish European, 0.023%; no homozygotes.

Submissions (2):

Labcorp Genetics (formerly Invitae), Labcorp
Classification: Likely benign. Last evaluated: 2025-09-10. Review status: criteria provided, single submitter. Criteria: Invitae Variant Classification Sherloc (09022015). Collection method: clinical testing. Allele origin: germline.

PreventionGenetics, part of Exact Sciences
Classification: Likely benign for CNOT3-related condition. Last evaluated: 2019-12-23. Review status: no assertion criteria provided. Collection method: clinical testing. Allele origin: germline. Not counted in ClinVar's aggregate classification.
Comment: This variant is classified as likely benign based on ACMG/AMP sequence variant interpretation guidelines (Richards et al. 2015 PMID: 25741868, with internal and published modifications).